The following is an entry in ClinVar:

ClinVar aggregate classification (germline): Uncertain significance. Review status: criteria provided, multiple submitters, no conflicts (2 of 4 stars). 2 submissions from 2 submitters: Uncertain significance (2). Last evaluated 2025-11-16.

Allele frequency attached by ClinVar (database versions not stated): TOPMed below 0.00001; gnomAD exomes 0.00005; 1000 Genomes Project 0.00020; ExAC 0.00012; 1000 Genomes Project 30x 0.00016; gnomAD 0.00003.
gnomAD v4.1: 79 of 1,607,194 alleles (0.0049%); highest among the groups gnomAD compares: South Asian, 0.081%; 2 homozygotes.

Submissions (2):

Labcorp Genetics (formerly Invitae), Labcorp
Classification: Uncertain significance. Last evaluated: 2025-11-16. Review status: criteria provided, single submitter. Criteria: Invitae Variant Classification Sherloc (09022015). Collection method: clinical testing. Allele origin: germline.
Comment: This sequence change replaces threonine, which is neutral and polar, with isoleucine, which is neutral and non-polar, at codon 1741 of the HMCN1 protein (p.Thr1741Ile). This variant is present in population databases (rs544623457, gnomAD 0.07%), and has an allele count higher than expected for a pathogenic variant. This variant has not been reported in the literature in individuals affected with HMCN1-related conditions. ClinVar contains an entry for this variant (Variation ID: 2966711). An algorithm developed to predict the effect of missense changes on protein structure and function (PolyPhen-2) suggests that this variant is likely to be tolerated. Algorithms developed to predict the effect of sequence changes on RNA splicing suggest that this variant may disrupt the consensus splice site. In summary, the available evidence is currently insufficient to determine the role of this variant in disease. Therefore, it has been classified as a Variant of Uncertain Significance.

Ambry Genetics
Classification: Uncertain significance. Last evaluated: 2025-04-01. Review status: criteria provided, single submitter. Criteria: Ambry Variant Classification Scheme 2023. Collection method: clinical testing. Allele origin: germline.

NM_031935.3(HMCN1):c.5222C>T (p.Thr1741Ile)

Gene: HMCN1 (hemicentin 1; plus strand). Cytogenetic location: 1q31.1.
Variant type: single nucleotide variant.
Coding change: c.5222C>T on transcript NM_031935.3 (MANE Select); coding-DNA position 5222, C replaced by T.
Protein change: p.Thr1741Ile; replaces threonine 1741 with isoleucine.
Molecular consequence: missense variant.
Genome position (GRCh38, 1-based): chr1:186,016,993, C>T. VCF-style: chr1-186016993-C-T. GRCh37 (hg19) VCF-style: chr1-185986125-C-T.
Other names: c.5222C>T (NM_031935.2); short protein forms T1741I.
Identifiers: ClinVar variation 2966711 (VCV002966711.4), dbSNP rs544623457, ClinGen allele CA1292206.